The following is an entry in ClinVar:

ClinVar aggregate classification (germline): Uncertain significance (1 of 4 stars; one submission).

Conditions:
Familial isolated arrhythmogenic right ventricular dysplasia. Identifiers: Orphanet 217656, MedGen C4274968, MONDO:0016342.

Submission:

All of Us Research Program, National Institutes of Health
Classification: Uncertain significance for Familial isolated arrhythmogenic right ventricular dysplasia. Last evaluated: 2024-08-23. Review status: criteria provided, single submitter. Criteria: ACMG Guidelines, 2015. Collection method: clinical testing. Allele origin: germline. Inheritance: Autosomal dominant inheritance. Observed: 1 variant allele, 1 heterozygote.
Comment: This variant is located in the 5' untranslated region of the DSC2 gene. To our knowledge, functional studies have not been reported for this variant. This variant has not been reported in individuals affected with DSC2-related disorders in the literature. This variant has not been identified in the general population by the Genome Aggregation Database (gnomAD). The available evidence is insufficient to determine the role of this variant in disease conclusively. Therefore, this variant is classified as a Variant of Uncertain Significance.

This study involves interpretation of variants in research participants for the purpose of population health screening. Participant phenotype was not available at the time of variant classification. Additional details can be found in publication PMID: 35346344, PMCID: PMC8962531

NM_024422.6(DSC2):c.-15C>T

Genes: DSC2 (desmocollin 2; minus strand), DSCAS (DSC1/DSC2 antisense RNA; plus strand). Cytogenetic location: 18q12.1.
Variant type: single nucleotide variant.
Coding change: c.-15C>T on transcript NM_024422.6 (MANE Select); 15 bases upstream of the start codon, C replaced by T.
Molecular consequence: 5 prime UTR variant.
Genome position (GRCh38, 1-based): chr18:31,101,986, G>A on the plus strand (C>T on the coding strand, the complement: DSC2 is on the minus strand). VCF-style: chr18-31101986-G-A. GRCh37 (hg19) VCF-style: chr18-28681949-G-A.
Other names: c.-15C>T (NM_004949.5).
Identifiers: ClinVar variation 3386562 (VCV003386562.1).
Genomic context (GRCh38, chr18:31,101,986, plus strand): 5'-GGCAGAGGGCTCCGTTCCAGGAGCCGGAGGGGCGGGCTGCCTCCATGGAGAGGGCTCGGG[G>A]CAGGTCGCGGGCCGAGCGTCGGGCCGGGGTAGGAGGGCTCCGCGGGGCGAGGGCCGCGGC-3'